The following is an entry in ClinVar:

NM_000238.4(KCNH2):c.2443C>T (p.Pro815Ser)

Gene: KCNH2 (potassium voltage-gated channel subfamily H member 2; minus strand). Cytogenetic location: 7q36.1.
Variant type: single nucleotide variant.
Coding change: c.2443C>T on transcript NM_000238.4 (MANE Select); coding-DNA position 2443, C replaced by T.
Protein change: p.Pro815Ser; replaces proline 815 with serine.
Molecular consequence: missense variant. On other transcripts: non-coding transcript variant (2).
Genome position (GRCh38, 1-based): chr7:150,949,005, G>A on the plus strand (C>T on the coding strand, the complement: KCNH2 is on the minus strand). VCF-style: chr7-150949005-G-A. GRCh37 (hg19) VCF-style: chr7-150646093-G-A.
Other names: c.2155C>T, p.Pro719Ser (NM_001406753.1); c.1423C>T, p.Pro475Ser (NM_172057.3); short protein forms P475S, P719S, P815S.
Identifiers: ClinVar variation 3901707 (VCV003901707.2).
Genomic context (GRCh38, chr7:150,949,005, plus strand): 5'-GATGGATCTTGTGTAGGTCACAGTAGGTGAGGGCCCGCACATCCCCGTTCGACTTGCCAG[G>A]CCTTGCATACAGGTTCAGAGGCTCCCCAAAGATGTCATTCTTCCCTGGAGGCCATGGAGA-3'
Protein context (NP_000229.1, residues 805-825): FGEPLNLYAR[Pro815Ser]GKSNGDVRAL

ClinVar aggregate classification (germline): Uncertain significance. Review status: criteria provided, multiple submitters, no conflicts (2 of 4 stars). 2 submissions from 2 submitters: Uncertain significance (2). Last evaluated 2025-05-27.

Conditions:
Long QT syndrome (LQTS). Identifiers: MedGen C0023976, MeSH D008133, MONDO:0002442. Disease mechanism: loss of function. Inheritance: Various modes of inheritance.

Submissions (2):

Labcorp Genetics (formerly Invitae), Labcorp
Classification: Uncertain significance for Long QT syndrome. Last evaluated: 2025-05-27. Review status: criteria provided, single submitter. Criteria: Invitae Variant Classification Sherloc (09022015). Collection method: clinical testing. Allele origin: germline.
Comment: This sequence change replaces proline, which is neutral and non-polar, with serine, which is neutral and polar, at codon 815 of the KCNH2 protein (p.Pro815Ser). This variant is not present in population databases (gnomAD no frequency). This variant has not been reported in the literature in individuals affected with KCNH2-related conditions. An algorithm developed to predict the effect of missense changes on protein structure and function (PolyPhen-2) suggests that this variant is likely to be disruptive. In summary, the available evidence is currently insufficient to determine the role of this variant in disease. Therefore, it has been classified as a Variant of Uncertain Significance.

GeneDx
Classification: Uncertain significance. Last evaluated: 2024-12-03. Review status: criteria provided, single submitter. Criteria: GeneDx Variant Classification Process June 2021. Collection method: clinical testing. Allele origin: germline. Affected: yes.
Comment: Has not been previously published as pathogenic or benign to our knowledge; Not observed at significant frequency in large population cohorts (gnomAD); In silico analysis supports that this missense variant has a deleterious effect on protein structure/function